The following is an entry in ClinVar:

ClinVar aggregate classification (germline): Uncertain significance (1 of 4 stars; one submission).

Conditions:
Hereditary cancer-predisposing syndrome. Also called: Neoplastic Syndromes, Hereditary; Tumor predisposition; Hereditary neoplastic syndrome; Hereditary Cancer Syndrome. Identifiers: Orphanet 140162, MedGen C0027672, MeSH D009386, MONDO:0015356.

Submission:

Ambry Genetics
Classification: Uncertain significance for Hereditary cancer-predisposing syndrome. Last evaluated: 2026-07-20. Review status: criteria provided, single submitter. Criteria: Ambry Variant Classification Scheme 2023. Collection method: clinical testing. Allele origin: germline.
Comment: The p.E115Q variant (also known as c.343G>C), located in coding exon 4 of the SDHA gene, results from a G to C substitution at nucleotide position 343. The glutamic acid at codon 115 is replaced by glutamine, an amino acid with highly similar properties. This amino acid position is conserved. In addition, the in silico prediction for this alteration is inconclusive. Based on the available evidence, the clinical significance of this variant remains unclear.

NM_004168.4(SDHA):c.343G>C (p.Glu115Gln)

Gene: SDHA (succinate dehydrogenase complex flavoprotein subunit A; plus strand). Cytogenetic location: 5p15.33.
Variant type: single nucleotide variant.
Coding change: c.343G>C on transcript NM_004168.4 (MANE Select); coding-DNA position 343, G replaced by C.
Protein change: p.Glu115Gln; replaces glutamic acid 115 with glutamine.
Molecular consequence: missense variant. On other transcripts: intron variant (1).
Genome position (GRCh38, 1-based): chr5:225,449, G>C. VCF-style: chr5-225449-G-C. GRCh37 (hg19) VCF-style: chr5-225564-G-C.
Other names: c.343G>C, p.Glu115Gln (NM_001330758.2); c.313-434G>C (NM_001294332.2); short protein forms E115Q.
Identifiers: ClinVar variation 5029176 (VCV005029176.1).